The following is an entry in ClinVar:

ClinVar aggregate classification (germline): Uncertain significance (1 of 4 stars; one submission).

Submission:

GeneDx
Classification: Uncertain significance. Last evaluated: 2019-05-09. Review status: criteria provided, single submitter. Criteria: GeneDx Variant Classification Process June 2021. Collection method: clinical testing. Allele origin: germline. Affected: yes.
Comment: Not observed in large population cohorts (Lek et al., 2016); In silico analysis, which includes protein predictors and evolutionary conservation, supports a deleterious effect; Has not been previously published as pathogenic or benign to our knowledge

NM_005068.3(SIM1):c.205C>G (p.Arg69Gly)

Gene: SIM1 (SIM bHLH transcription factor 1; minus strand). Cytogenetic location: 6q16.3.
Variant type: single nucleotide variant.
Coding change: c.205C>G on transcript NM_005068.3 (MANE Select); coding-DNA position 205, C replaced by G.
Protein change: p.Arg69Gly; replaces arginine 69 with glycine.
Molecular consequence: missense variant.
Genome position (GRCh38, 1-based): chr6:100,453,815, G>C on the plus strand (C>G on the coding strand, the complement: SIM1 is on the minus strand). VCF-style: chr6-100453815-G-C. GRCh37 (hg19) VCF-style: chr6-100901691-G-C.
Other names: c.205C>G, p.Arg69Gly (NM_001374769.1); short protein forms R69G.
Identifiers: ClinVar variation 1305639 (VCV001305639.2), dbSNP rs1398673847, ClinGen allele CA365129200.